The following is an entry in ClinVar:

NM_001082486.1(ACD):c.101G>A (p.Arg34Gln)

Genes: ACD (ACD shelterin complex subunit and telomerase recruitment factor; minus strand), LOC130059224 (ATAC-STARR-seq lymphoblastoid silent region 7617; plus strand). Cytogenetic location: 16q22.1.
Variant type: single nucleotide variant.
Coding change: c.101G>A on transcript NM_001082486.1; coding-DNA position 101, G replaced by A.
Protein change: p.Arg34Gln; replaces arginine 34 with glutamine.
Genome position (GRCh38, 1-based): chr16:67,660,378, C>T on the plus strand (G>A on the coding strand, the complement: ACD is on the minus strand). VCF-style: chr16-67660378-C-T. GRCh37 (hg19) VCF-style: chr16-67694281-C-T.
Other names: short protein forms R34Q.
Identifiers: ClinVar variation 1756032 (VCV001756032.2), dbSNP rs747050159, ClinGen allele CA396359779.

ClinVar aggregate classification (germline): Uncertain significance (1 of 4 stars; one submission).

Conditions:
Inborn genetic diseases. Identifiers: MedGen C0950123, MeSH D030342.

Submission:

Ambry Genetics
Classification: Uncertain significance for Inborn genetic diseases. Last evaluated: 2024-02-11. Review status: criteria provided, single submitter. Criteria: Ambry Variant Classification Scheme 2023. Collection method: clinical testing. Allele origin: germline.
Comment: The p.R34Q variant (also known as c.101G>A), located in coding exon 1 of the ACD gene, results from a G to A substitution at nucleotide position 101. The arginine at codon 34 is replaced by glutamine, an amino acid with highly similar properties. This amino acid position is conserved. In addition, this alteration is predicted to be tolerated by in silico analysis. Since supporting evidence is limited at this time, the clinical significance of this alteration remains unclear.